The following is an entry in ClinVar:

ClinVar aggregate classification (germline): Pathogenic (1 of 4 stars; one submission).

Conditions:
Osteogenesis imperfecta type I (OI1). Also called: Lobstein's Disease; Lobstein disease; Classic Non-deforming Osteogenesis Imperfecta with Blue Sclerae; OI, TYPE I; OSTEOGENESIS IMPERFECTA TARDA; OSTEOGENESIS IMPERFECTA WITH BLUE SCLERAE. Identifiers: Orphanet 216796, Orphanet 666, MedGen C0023931, MONDO:0008146, OMIM 166200. Disease mechanism: loss of function.

Submission:

Labcorp Genetics (formerly Invitae), Labcorp
Classification: Pathogenic for Osteogenesis imperfecta type I. Last evaluated: 2024-07-16. Review status: criteria provided, single submitter. Criteria: Invitae Variant Classification Sherloc (09022015). Collection method: clinical testing. Allele origin: germline.
Comment: This sequence change replaces glycine, which is neutral and non-polar, with valine, which is neutral and non-polar, at codon 194 of the COL1A1 protein (p.Gly194Val). This variant is not present in population databases (gnomAD no frequency). This missense change has been observed in individual(s) with osteogenesis imperfecta (PMID: 36709916). Advanced modeling of protein sequence and biophysical properties (such as structural, functional, and spatial information, amino acid conservation, physicochemical variation, residue mobility, and thermodynamic stability) performed at Invitae indicates that this missense variant is expected to disrupt COL1A1 protein function with a positive predictive value of 95%. This variant disrupts the triple helix domain of COL1A1. Glycine residues within the Gly-Xaa-Yaa repeats of the triple helix domain are required for the structure and stability of fibrillar collagens (PMID: 7695699, 8218237, 19344236). In COL1A1, variants affecting these glycine residues are significantly enriched in individuals with disease (PMID: 9016532, 17078022) compared to the general population (ExAC). For these reasons, this variant has been classified as Pathogenic.

Literature cited by the submitters: PubMed 36709916; PubMed 7695699; PubMed 8218237; PubMed 19344236; PubMed 9016532; PubMed 17078022.

NM_000088.4(COL1A1):c.581G>T (p.Gly194Val)

Gene: COL1A1 (collagen type I alpha 1 chain; minus strand). Cytogenetic location: 17q21.33.
Variant type: single nucleotide variant.
Coding change: c.581G>T on transcript NM_000088.4 (MANE Select); coding-DNA position 581, G replaced by T.
Protein change: p.Gly194Val; replaces glycine 194 with valine.
Molecular consequence: missense variant.
Genome position (GRCh38, 1-based): chr17:50,198,168, C>A on the plus strand (G>T on the coding strand, the complement: COL1A1 is on the minus strand). VCF-style: chr17-50198168-C-A. GRCh37 (hg19) VCF-style: chr17-48275529-C-A.
Other names: short protein forms G194V.
Identifiers: ClinVar variation 3634733 (VCV003634733.2).